The following is an entry in ClinVar:

NM_001903.5(CTNNA1):c.113C>A (p.Thr38Asn)

Gene: CTNNA1 (catenin alpha 1; plus strand). Cytogenetic location: 5q31.2.
Variant type: single nucleotide variant.
Coding change: c.113C>A on transcript NM_001903.5 (MANE Select); coding-DNA position 113, C replaced by A.
Protein change: p.Thr38Asn; replaces threonine 38 with asparagine.
Molecular consequence: missense variant. On other transcripts: 5 prime UTR variant (1), intron variant (1).
Genome position (GRCh38, 1-based): chr5:138,783,184, C>A. VCF-style: chr5-138783184-C-A. GRCh37 (hg19) VCF-style: chr5-138118873-C-A.
Other names: c.113C>A, p.Thr38Asn (NM_001290307.3, NM_001323982.2, NM_001323983.1 and 3 more transcripts); c.-94C>A (NM_001290310.3); c.-9+1155C>A (NM_001290309.3); short protein forms T38N.
Identifiers: ClinVar variation 1492144 (VCV001492144.8), dbSNP rs754397589, ClinGen allele CA3431362.

ClinVar aggregate classification (germline): Uncertain significance (1 of 4 stars; one submission).

Allele frequency attached by ClinVar (database versions not stated): ExAC 0.00001.

Submission:

Labcorp Genetics (formerly Invitae), Labcorp
Classification: Uncertain significance. Last evaluated: 2021-04-28. Review status: criteria provided, single submitter. Criteria: Invitae Variant Classification Sherloc (09022015). Collection method: clinical testing. Allele origin: germline.
Comment: In summary, the available evidence is currently insufficient to determine the role of this variant in disease. Therefore, it has been classified as a Variant of Uncertain Significance. Algorithms developed to predict the effect of missense changes on protein structure and function are either unavailable or do not agree on the potential impact of this missense change (SIFT: "Deleterious"; PolyPhen-2: "Probably Damaging"; Align-GVGD: "Class C0"). This variant has not been reported in the literature in individuals with CTNNA1-related conditions. This variant is present in population databases (rs754397589, ExAC 0.002%). This sequence change replaces threonine with asparagine at codon 38 of the CTNNA1 protein (p.Thr38Asn). The threonine residue is highly conserved and there is a small physicochemical difference between threonine and asparagine.